The following is an entry in ClinVar:

NM_005219.5(DIAPH1):c.1016del (p.Met339fs)

Gene: DIAPH1 (diaphanous related formin 1; minus strand). Cytogenetic location: 5q31.3.
Variant type: Deletion.
Coding change: c.1016del on transcript NM_005219.5 (MANE Select); coding-DNA position 1016, one base deleted (T; older notation c.1016delT).
Protein change: p.Met339fs; shifts the reading frame from methionine 339.
Molecular consequence: frameshift variant.
Genome position (GRCh38, 1-based): chr5:141,578,543, A deleted on the plus strand (T on the coding strand, the reverse complement: DIAPH1 is on the minus strand). VCF-style (leftmost placement, unchanged base first): chr5-141578542-CA-C. GRCh37 (hg19) VCF-style: chr5-140958109-CA-C.
Other names: c.989del, p.Met330fs (NM_001079812.3); c.1016del, p.Met339fs (NM_001314007.2); short protein forms M330fs, M339fs.
Identifiers: ClinVar variation 1402630 (VCV001402630.6), dbSNP rs2154596448, ClinGen allele CA2573139135.

ClinVar aggregate classification (germline): Pathogenic (1 of 4 stars; one submission).

Conditions:
Autosomal dominant nonsyndromic hearing loss 1. Also called: KONIGSMARK SYNDROME; DEAFNESS, AUTOSOMAL DOMINANT 1, WITH OR WITHOUT THROMBOCYTOPENIA. Identifiers: Orphanet 90635, MedGen C1852282, MONDO:0007424, OMIM 124900.
Progressive microcephaly-seizures-cortical blindness-developmental delay syndrome. Also called: Seizures, cortical blindness, and microcephaly syndrome. Identifiers: Orphanet 477814, MedGen C5567650, MONDO:0014714, OMIM 616632.

Submission:

Labcorp Genetics (formerly Invitae), Labcorp
Classification: Pathogenic for Progressive microcephaly-seizures-cortical blindness-developmental delay syndrome; Autosomal dominant nonsyndromic hearing loss 1. Last evaluated: 2025-10-13. Review status: criteria provided, single submitter. Criteria: Invitae Variant Classification Sherloc (09022015). Collection method: clinical testing. Allele origin: germline.
Comment: This sequence change creates a premature translational stop signal (p.Met339Serfs*20) in the DIAPH1 gene. It is expected to result in an absent or disrupted protein product. Loss-of-function variants in DIAPH1 are known to be pathogenic (PMID: 24781755, 26463574). This variant is not present in population databases (gnomAD no frequency). This variant has not been reported in the literature in individuals affected with DIAPH1-related conditions. ClinVar contains an entry for this variant (Variation ID: 1402630). For these reasons, this variant has been classified as Pathogenic.

Literature cited by the submitters: PubMed 24781755; PubMed 26463574.